The following is an entry in ClinVar:

ClinVar aggregate classification (germline): Uncertain significance. Review status: criteria provided, multiple submitters, no conflicts (2 of 4 stars). 2 submissions from 2 submitters: Uncertain significance (2). Last evaluated 2025-07-19.

Conditions:
Inborn genetic diseases. Identifiers: MedGen C0950123, MeSH D030342.
PKD1-related disorder. Also called: PKD1-related condition.

Allele frequency attached by ClinVar (database versions not stated): ExAC 0.00003; TOPMed 0.00003; gnomAD 0.00004; 1000 Genomes Project 0.00020; 1000 Genomes Project 30x 0.00031.
gnomAD v4.1: 50 of 1,598,914 alleles (0.0031%); highest among the groups gnomAD compares: Middle Eastern, 0.023%; no homozygotes.

Submissions (2):

PreventionGenetics, part of Exact Sciences
Classification: Uncertain significance for PKD1-related condition. Last evaluated: 2025-07-19. Review status: criteria provided, single submitter. Criteria: ACMG Guidelines, 2015. Collection method: clinical testing. Allele origin: germline.
Comment: The PKD1 c.965C>T variant is predicted to result in the amino acid substitution p.Ser322Leu. To our knowledge, this variant has not been reported in the literature. This variant is reported in 0.0058% of alleles in individuals of East Asian descent in gnomAD. At this time, the clinical significance of this variant is uncertain due to the absence of conclusive functional and genetic evidence.

Ambry Genetics
Classification: Uncertain significance for Inborn genetic diseases. Last evaluated: 2025-06-07. Review status: criteria provided, single submitter. Criteria: Ambry Variant Classification Scheme 2023. Collection method: clinical testing. Allele origin: germline.

NM_001009944.3(PKD1):c.965C>T (p.Ser322Leu)

Gene: PKD1 (polycystin 1, transient receptor potential channel interacting; minus strand). Cytogenetic location: 16p13.3.
Variant type: single nucleotide variant.
Coding change: c.965C>T on transcript NM_001009944.3 (MANE Select); coding-DNA position 965, C replaced by T.
Protein change: p.Ser322Leu; replaces serine 322 with leucine.
Molecular consequence: missense variant.
Genome position (GRCh38, 1-based): chr16:2,118,027, G>A on the plus strand (C>T on the coding strand, the complement: PKD1 is on the minus strand). VCF-style: chr16-2118027-G-A. GRCh37 (hg19) VCF-style: chr16-2168028-G-A.
Other names: c.965C>T, p.Ser322Leu (NM_000296.4); short protein forms S322L.
Identifiers: ClinVar variation 2553232 (VCV002553232.4), dbSNP rs557788793, ClinGen allele CA7833616.